The following is an entry in ClinVar:

NM_005431.2(XRCC2):c.350T>G (p.Leu117Trp)

Gene: XRCC2 (X-ray repair cross complementing 2; minus strand). Cytogenetic location: 7q36.1.
Variant type: single nucleotide variant.
Coding change: c.350T>G on transcript NM_005431.2 (MANE Select); coding-DNA position 350, T replaced by G.
Protein change: p.Leu117Trp; replaces leucine 117 with tryptophan.
Molecular consequence: missense variant.
Genome position (GRCh38, 1-based): chr7:152,649,135, A>C on the plus strand (T>G on the coding strand, the complement: XRCC2 is on the minus strand). VCF-style: chr7-152649135-A-C. GRCh37 (hg19) VCF-style: chr7-152346220-A-C.
Other names: short protein forms L117W.
Identifiers: ClinVar variation 3471457 (VCV003471457.1).

ClinVar aggregate classification (germline): Uncertain significance (1 of 4 stars; one submission).

Conditions:
Hereditary cancer-predisposing syndrome. Also called: Tumor predisposition; Neoplastic Syndromes, Hereditary; Hereditary neoplastic syndrome; Hereditary Cancer Syndrome. Identifiers: Orphanet 140162, MedGen C0027672, MeSH D009386, MONDO:0015356.

Submission:

Ambry Genetics
Classification: Uncertain significance for Hereditary cancer-predisposing syndrome. Last evaluated: 2024-06-30. Review status: criteria provided, single submitter. Criteria: Ambry Variant Classification Scheme 2023. Collection method: clinical testing. Allele origin: germline.
Comment: The p.L117W variant (also known as c.350T>G), located in coding exon 3 of the XRCC2 gene, results from a T to G substitution at nucleotide position 350. The leucine at codon 117 is replaced by tryptophan, an amino acid with similar properties. This amino acid position is conserved. In addition, the in silico prediction for this alteration is inconclusive. Based on the available evidence, the clinical significance of this variant remains unclear.